The following is an entry in ClinVar:

NM_005732.4(RAD50):c.2043C>T (p.Cys681=)

Gene: RAD50 (RAD50 double strand break repair protein; plus strand). Cytogenetic location: 5q31.1.
Variant type: single nucleotide variant.
Coding change: c.2043C>T on transcript NM_005732.4 (MANE Select); coding-DNA position 2043, C replaced by T.
Protein change: p.Cys681=; no amino-acid change (cysteine 681 retained).
Molecular consequence: synonymous variant.
Genome position (GRCh38, 1-based): chr5:132,595,646, C>T. VCF-style: chr5-132595646-C-T. GRCh37 (hg19) VCF-style: chr5-131931338-C-T.
Identifiers: ClinVar variation 751334 (VCV000751334.13), dbSNP rs1580997003, ClinGen allele CA446363106.
Genomic context (GRCh38, chr5:132,595,646, plus strand): 5'-AGCCACAGCAGTTTACTCCCAGTTCATTACTCAGCTAACAGACGAAAACCAGTCATGTTG[C>T]CCCGTTTGTCAGAGAGTTTTTCAGACAGAGGCTGAGTTACAAGAAGTCATCAGTGATTTG-3'
Protein context (NP_005723.2, residues 671-691): TQLTDENQSC[Cys681=]PVCQRVFQTE

ClinVar aggregate classification (germline): Likely benign. Review status: criteria provided, multiple submitters, no conflicts (2 of 4 stars). 3 submissions from 3 submitters: Likely benign (3). Last evaluated 2026-05-01.

Conditions:
Hereditary cancer-predisposing syndrome. Also called: Hereditary Cancer Syndrome; Tumor predisposition; Hereditary neoplastic syndrome; Neoplastic Syndromes, Hereditary. Identifiers: Orphanet 140162, MedGen C0027672, MeSH D009386, MONDO:0015356.

Allele frequency attached by ClinVar (database versions not stated): gnomAD exomes below 0.00001.
gnomAD v4.1: 1 of 1,614,118 alleles (0.000062%); highest among the groups gnomAD compares: Non-Finnish European, 0.000085%; no homozygotes.

Submissions (3):

CeGaT Center for Human Genetics Tuebingen
Classification: Likely benign. Last evaluated: 2026-05-01. Review status: criteria provided, single submitter. Criteria: CeGaT Center For Human Genetics Tuebingen Variant Classification Criteria Version 2. Collection method: clinical testing. Allele origin: germline. Affected: yes. Observed: 1 variant allele.
Comment: RAD50: BP4, BP7

Ambry Genetics
Classification: Likely benign for Hereditary cancer-predisposing syndrome. Last evaluated: 2025-05-02. Review status: criteria provided, single submitter. Criteria: Ambry Variant Classification Scheme 2023. Collection method: clinical testing. Allele origin: germline.

Labcorp Genetics (formerly Invitae), Labcorp
Classification: Likely benign for Hereditary cancer-predisposing syndrome. Last evaluated: 2018-10-22. Review status: criteria provided, single submitter. Criteria: Invitae Variant Classification Sherloc (09022015). Collection method: clinical testing. Allele origin: germline.